The following is an entry in ClinVar:

ClinVar aggregate classification (germline): Uncertain significance (1 of 4 stars; one submission).

Conditions:
Primary ciliary dyskinesia. Also called: Ciliary dyskinesia. Identifiers: Orphanet 244, MedGen C0008780, MONDO:0016575, HP:0012265.

Allele frequency attached by ClinVar (database versions not stated): gnomAD 0.00024 and 0.00030; gnomAD exomes 0.00024; ExAC 0.00043; 1000 Genomes Project 30x 0.00172; 1000 Genomes Project 0.00220.
gnomAD v4.1: 218 of 1,551,440 alleles (0.014%); highest among the groups gnomAD compares: South Asian, 0.068%; 2 homozygotes.

Submission:

Labcorp Genetics (formerly Invitae), Labcorp
Classification: Uncertain significance for Primary ciliary dyskinesia. Last evaluated: 2025-07-17. Review status: criteria provided, single submitter. Criteria: Invitae Variant Classification Sherloc (09022015). Collection method: clinical testing. Allele origin: germline.
Comment: This sequence change replaces leucine, which is neutral and non-polar, with arginine, which is basic and polar, at codon 146 of the CCDC114 protein (p.Leu146Arg). This variant is present in population databases (rs554391472, gnomAD 0.2%). This missense change has been observed in individual(s) with clinical features of primary ciliary dyskinesia (internal data). ClinVar contains an entry for this variant (Variation ID: 1682890). An algorithm developed to predict the effect of missense changes on protein structure and function (PolyPhen-2) suggests that this variant is likely to be disruptive. In summary, the available evidence is currently insufficient to determine the role of this variant in disease. Therefore, it has been classified as a Variant of Uncertain Significance.

NM_001364171.2(ODAD1):c.548T>G (p.Leu183Arg)

Gene: ODAD1 (outer dynein arm docking complex subunit 1; minus strand). Cytogenetic location: 19q13.33.
Variant type: single nucleotide variant.
Coding change: c.548T>G on transcript NM_001364171.2 (MANE Select); coding-DNA position 548, T replaced by G.
Protein change: p.Leu183Arg; replaces leucine 183 with arginine.
Molecular consequence: missense variant.
Genome position (GRCh38, 1-based): chr19:48,311,602, A>C on the plus strand (T>G on the coding strand, the complement: ODAD1 is on the minus strand). VCF-style: chr19-48311602-A-C. GRCh37 (hg19) VCF-style: chr19-48814859-A-C.
Other names: c.437T>G, p.Leu146Arg (NM_144577.4); short protein forms L146R, L183R.
Identifiers: ClinVar variation 1682890 (VCV001682890.5), dbSNP rs554391472, ClinGen allele CA9549031.